The following is an entry in ClinVar:

NM_002693.3(POLG):c.2492A>G (p.Tyr831Cys)

Gene: POLG (DNA polymerase gamma, catalytic subunit; minus strand). Cytogenetic location: 15q26.1.
Variant type: single nucleotide variant.
Coding change: c.2492A>G on transcript NM_002693.3 (MANE Select); coding-DNA position 2492, A replaced by G.
Protein change: p.Tyr831Cys; replaces tyrosine 831 with cysteine.
Molecular consequence: missense variant.
Genome position (GRCh38, 1-based): chr15:89,321,842, T>C on the plus strand (A>G on the coding strand, the complement: POLG is on the minus strand). VCF-style: chr15-89321842-T-C. GRCh37 (hg19) VCF-style: chr15-89865073-T-C.
Other names: p.Y831C:TAT>TGT; c.2492A>G, p.Tyr831Cys (NM_001126131.2); short protein forms Y831C.
Identifiers: ClinVar variation 13509 (VCV000013509.86), dbSNP rs41549716, ClinGen allele CA256897.
Genomic context (GRCh38, chr15:89,321,842, plus strand): 5'-GTGATGGTGCCGGCAGTCACCACTTGGGGCAGGATGGCCCCATAGAGGCCTTCCTCATCA[T>C]AGTCGGGGTGCCTGGTGGGGTGCAGGGGAAGGAAATGGGTCTTAGCAGGGTGCTTTGGCC-3'
Protein context (NP_002684.1, residues 821-841): LPRAVIRHPD[Tyr831Cys]DEEGLYGAIL

ClinVar aggregate classification (germline): Benign/Likely benign. Review status: criteria provided, multiple submitters, no conflicts (2 of 4 stars). 18 submissions from 18 submitters: Benign (10); Likely benign (6). 2 of the submissions do not count toward it. Last evaluated 2026-10-01.

Conditions:
POLG-related disorder. Also called: POLG-related condition; POLG-Related Disorders; POLG-Related Spectrum Disorders. Identifiers: MedGen C4763519.
Inborn genetic diseases. Identifiers: MedGen C0950123, MeSH D030342.
Hereditary spastic paraplegia. Also called: Familial spastic paraparesis. Identifiers: Orphanet 685, MedGen C0037773, MONDO:0019064. Disease mechanism: loss of function.
Progressive sclerosing poliodystrophy (MTDPS4A). Also called: Alpers-Huttenlocher Syndrome (AHS); ALPERS PROGRESSIVE INFANTILE POLIODYSTROPHY; Alpers-Huttenlocher Syndrome; NEURONAL DEGENERATION OF CHILDHOOD WITH LIVER DISEASE, PROGRESSIVE; Mitochondrial DNA Depletion Syndrome 4A; ALPERS DIFFUSE DEGENERATION OF CEREBRAL GRAY MATTER WITH HEPATIC CIRRHOSIS. Identifiers: Orphanet 726, MedGen C0205710, MONDO:0008758, OMIM 203700.
Progressive external ophthalmoplegia with mitochondrial DNA deletions, autosomal dominant 1 (PEOA1). Also called: Autosomal Dominant Progressive External Ophthalmoplegia (adPEO); PROGRESSIVE EXTERNAL OPHTHALMOPLEGIA, AUTOSOMAL DOMINANT 1. Identifiers: MedGen C1834846, MONDO:0024528, OMIM 157640.

Allele frequency attached by ClinVar (database versions not stated): gnomAD exomes 0.00662 and 0.00904; 1000 Genomes Project 30x 0.00187; gnomAD 0.00708 and 0.00688; 1000 Genomes Project 0.00220; TOPMed 0.00507; ExAC 0.00628.

Submissions (18):

CeGaT Center for Human Genetics Tuebingen
Classification: Benign. Last evaluated: 2026-10-01. Review status: criteria provided, single submitter. Criteria: CeGaT Center For Human Genetics Tuebingen Variant Classification Criteria Version 2. Collection method: clinical testing. Allele origin: germline. Affected: yes. Observed: 135 variant alleles.
Comment: POLG: BS1, BS2

Labcorp Genetics (formerly Invitae), Labcorp
Classification: Benign for Progressive sclerosing poliodystrophy. Last evaluated: 2026-02-03. Review status: criteria provided, single submitter. Criteria: Invitae Variant Classification Sherloc (09022015). Collection method: clinical testing. Allele origin: germline.

Mayo Clinic Laboratories, Mayo Clinic
Classification: Benign. Last evaluated: 2025-03-31. Review status: criteria provided, single submitter. Criteria: ACMG Guidelines, 2015. Collection method: clinical testing. Allele origin: germline. Observed: 89 variant alleles.
Comment: BA1

Blueprint Genetics
Classification: Likely benign. Last evaluated: 2024-11-27. Review status: criteria provided, single submitter. Criteria: ACMG Guidelines, 2015. Collection method: clinical testing. Allele origin: germline.

Athena Diagnostics
Classification: Benign. Last evaluated: 2024-02-19. Review status: criteria provided, single submitter. Criteria: Athena Diagnostics Criteria. Collection method: clinical testing. Allele origin: unknown.

ARUP Laboratories, Molecular Genetics and Genomics, ARUP Laboratories
Classification: Likely benign. Last evaluated: 2023-10-02. Review status: criteria provided, single submitter. Criteria: ARUP Molecular Germline Variant Investigation Process 2024. Collection method: clinical testing. Allele origin: germline.

Genome Diagnostics Laboratory, The Hospital for Sick Children
Classification: Benign for Hereditary spastic paraplegia. Last evaluated: 2021-11-24. Review status: criteria provided, single submitter. Criteria: ACMG Guidelines, 2015. Collection method: clinical testing. Allele origin: germline. Affected: yes.

Mendelics
Classification: Benign for Progressive sclerosing poliodystrophy. Last evaluated: 2019-05-28. Review status: criteria provided, single submitter. Criteria: Mendelics Assertion Criteria 2017. Collection method: clinical testing. Allele origin: unknown.

GeneDx
Classification: Benign. Last evaluated: 2018-12-06. Review status: criteria provided, single submitter. Criteria: GeneDx Variant Classification Process June 2021. Collection method: clinical testing. Allele origin: germline. Affected: yes.
Comment: This variant is associated with the following publications: (PMID: 22995991, 27987238, 18546365, 22647225, 21880868, 20818383, 20981092, 17846414, 15534189, 28471437, 29190809)

Wong Mito Lab, Molecular and Human Genetics, Baylor College of Medicine
Classification: Benign for Progressive sclerosing poliodystrophy. Last evaluated: 2018-10-01. Review status: criteria provided, single submitter. Criteria: ACMG Guidelines, 2015. Collection method: clinical testing. Allele origin: germline.
Comment: The NM_002693.2:c.2492A>G (NP_002684.1:p.Tyr831Cys) [GRCH38: NC_000015.10:g.89321842T>C] variant in POLG gene is interpretated to be a Benign based on ACMG guidelines (PMID: 25741868). This variant has been reported in PMID:16929381 ; 16943369 . This variant meets the following evidence codes reported in the ACMG-guideline. BS1:The minor allele frequency of this allele is high for Mitochondrial DNA depletion syndrome 4A (Alpers type). BS2:Observation of the variant in controls is inconsistent with penetrance of Mitochondrial DNA depletion syndrome 4A (Alpers type). BP6:Reputable source(s) without shared data suggest the variant is benign. Based on the evidence criteria codes applied, the variant is suggested to be Benign.

Ambry Genetics
Classification: Benign for Inborn genetic diseases. Last evaluated: 2017-05-10. Review status: criteria provided, single submitter. Criteria: Ambry Variant Classification Scheme 2023. Collection method: clinical testing. Allele origin: germline.

Illumina Laboratory Services, Illumina
Classification: Likely benign for POLG-Related Spectrum Disorders. Last evaluated: 2017-04-27. Review status: criteria provided, single submitter. Criteria: ICSL Variant Classification Criteria 13 December 2019. Collection method: clinical testing. Allele origin: germline.
Comment: This variant was observed as part of a predisposition screen in an ostensibly healthy population. A literature search was performed for the gene, cDNA change, and amino acid change (where applicable). No publications were found based on this search. Allele frequency data from public databases allowed determination this variant is unlikely to cause disease. Therefore, this variant is classified as likely benign.

Genetic Services Laboratory, University of Chicago
Classification: Benign. Last evaluated: 2016-07-29. Review status: criteria provided, single submitter. Criteria: ACMG Guidelines, 2015. Collection method: clinical testing. Allele origin: germline. Affected: no.

Eurofins Ntd Llc (ga)
Classification: Likely benign. Last evaluated: 2014-12-23. Review status: criteria provided, single submitter. Criteria: EGL Classification Definitions 2015. Collection method: clinical testing. Allele origin: germline. Observed: 1 variant allele, 1 heterozygote.

Center for Pediatric Genomic Medicine, Children's Mercy Hospital and Clinics
Classification: Likely benign. Last evaluated: 2014-10-28. Review status: criteria provided, single submitter. Criteria: ACMG Guidelines, 2015. Collection method: clinical testing. Allele origin: germline.
ClinVar note: Converted during submission from Likely Benign to Likely benign.

Breakthrough Genomics
Classification: Likely benign. Review status: criteria provided, single submitter. Criteria: ACMG Guidelines, 2015. Collection method: not provided. Allele origin: germline. Inheritance: Autosomal recessive inheritance. Affected: yes.

PreventionGenetics, part of Exact Sciences
Classification: Benign for POLG-related condition. Last evaluated: 2023-12-01. Review status: no assertion criteria provided. Collection method: clinical testing. Allele origin: germline. Not counted in ClinVar's aggregate classification.
Comment: This variant is classified as benign based on ACMG/AMP sequence variant interpretation guidelines (Richards et al. 2015 PMID: 25741868, with internal and published modifications).

OMIM
Classification: Uncertain significance for RECLASSIFIED - VARIANT OF UNKNOWN SIGNIFICANCE. Last evaluated: 2007-09-11. Review status: no assertion criteria provided. Collection method: literature only. Allele origin: germline. Not counted in ClinVar's aggregate classification.

Literature cited by the submitters: PubMed 19629138 (cited by Athena Diagnostics); PubMed 20818383 (cited by Athena Diagnostics and Ambry Genetics); PubMed 20981092 (cited by Athena Diagnostics); PubMed 12073019 (cited by Athena Diagnostics); PubMed 15534189 (cited by 3 submitters); PubMed 16929381 (cited by 3 submitters); PubMed 17846414 (cited by Athena Diagnostics and OMIM); PubMed 18546365 (cited by Athena Diagnostics and Ambry Genetics); PubMed 18828154 (cited by Athena Diagnostics); PubMed 21880868 (cited by Athena Diagnostics and Ambry Genetics); PubMed 22647225 (cited by Athena Diagnostics and Ambry Genetics); PubMed 23251356 (cited by Athena Diagnostics); PubMed 22237560 (cited by Athena Diagnostics); PubMed 16943369 (cited by Athena Diagnostics and Wong Mito Lab, Molecular and Human Genetics, Baylor College of Medicine); PubMed 25850945 (cited by Athena Diagnostics); PubMed 26968897 (cited by Athena Diagnostics); PubMed 29190809 (cited by Athena Diagnostics); PubMed 28130605 (cited by Athena Diagnostics); PubMed 29992832 (cited by Athena Diagnostics); PubMed 23921535 (cited by Athena Diagnostics); PubMed 28471437 (cited by Athena Diagnostics); PubMed 25488682 (cited by Athena Diagnostics); PubMed 28901595 (cited by Athena Diagnostics); PubMed 37189790 (cited by Athena Diagnostics); PubMed 37256495 (cited by Athena Diagnostics).